The following is an entry in ClinVar:

NM_001388492.1(HTT):c.1618G>A (p.Val540Ile)

Gene: HTT (huntingtin; plus strand). Cytogenetic location: 4p16.3.
Variant type: single nucleotide variant.
Coding change: c.1618G>A on transcript NM_001388492.1 (MANE Select); coding-DNA position 1618, G replaced by A.
Protein change: p.Val540Ile; replaces valine 540 with isoleucine.
Molecular consequence: missense variant.
Genome position (GRCh38, 1-based): chr4:3,127,479, G>A. VCF-style: chr4-3127479-G-A. GRCh37 (hg19) VCF-style: chr4-3129206-G-A.
Other names: c.1624G>A, p.Val542Ile (NM_002111.8); short protein forms V540I, V542I.
Identifiers: ClinVar variation 1357723 (VCV001357723.6), dbSNP rs747431001, ClinGen allele CA2823589.

ClinVar aggregate classification (germline): Uncertain significance (1 of 4 stars; one submission).

Allele frequency attached by ClinVar (database versions not stated): ExAC 0.00001; gnomAD exomes 0.00001; gnomAD 0.00005 and 0.00006; TOPMed 0.00005.
gnomAD v4.1: 31 of 1,614,022 alleles (0.0019%); highest among the groups gnomAD compares: African/African-American, 0.019%; no homozygotes.

Submission:

Labcorp Genetics (formerly Invitae), Labcorp
Classification: Uncertain significance. Last evaluated: 2023-12-18. Review status: criteria provided, single submitter. Criteria: Invitae Variant Classification Sherloc (09022015). Collection method: clinical testing. Allele origin: germline.
Comment: This sequence change replaces valine, which is neutral and non-polar, with isoleucine, which is neutral and non-polar, at codon 542 of the HTT protein (p.Val542Ile). This variant is present in population databases (rs747431001, gnomAD 0.01%). This variant has not been reported in the literature in individuals affected with HTT-related conditions. ClinVar contains an entry for this variant (Variation ID: 1357723). Experimental studies and prediction algorithms are not available or were not evaluated, and the functional significance of this variant is currently unknown. In summary, the available evidence is currently insufficient to determine the role of this variant in disease. Therefore, it has been classified as a Variant of Uncertain Significance.